The following is an entry in ClinVar:

ClinVar aggregate classification (germline): Uncertain significance (1 of 4 stars; one submission).

Allele frequency attached by ClinVar (database versions not stated): gnomAD exomes below 0.00001; TOPMed below 0.00001.
gnomAD v4.1: 1 of 1,613,820 alleles (0.000062%); highest among the groups gnomAD compares: Non-Finnish European, 0.000085%; no homozygotes.

Submission:

Labcorp Genetics (formerly Invitae), Labcorp
Classification: Uncertain significance. Last evaluated: 2022-08-16. Review status: criteria provided, single submitter. Criteria: Invitae Variant Classification Sherloc (09022015). Collection method: clinical testing. Allele origin: germline.
Comment: This sequence change falls in intron 41 of the SZT2 gene. It does not directly change the encoded amino acid sequence of the SZT2 protein. It affects a nucleotide within the consensus splice site. This variant is not present in population databases (gnomAD no frequency). This variant has not been reported in the literature in individuals affected with SZT2-related conditions. ClinVar contains an entry for this variant (Variation ID: 652144). Variants that disrupt the consensus splice site are a relatively common cause of aberrant splicing (PMID: 17576681, 9536098). Algorithms developed to predict the effect of sequence changes on RNA splicing suggest that this variant may disrupt the consensus splice site. In summary, the available evidence is currently insufficient to determine the role of this variant in disease. Therefore, it has been classified as a Variant of Uncertain Significance.

Literature cited by the submitters: PubMed 17576681; PubMed 9536098.

NM_001365999.1(SZT2):c.6034+5G>A

Gene: SZT2 (SZT2 subunit of KICSTOR complex; plus strand). Cytogenetic location: 1p34.2.
Variant type: single nucleotide variant.
Coding change: c.6034+5G>A on transcript NM_001365999.1 (MANE Select); 5 bases into the intron after coding-DNA position 6034, G replaced by A.
Molecular consequence: intron variant.
Genome position (GRCh38, 1-based): chr1:43,435,334, G>A. VCF-style: chr1-43435334-G-A. GRCh37 (hg19) VCF-style: chr1-43901005-G-A.
Other names: c.5863+5G>A (NM_015284.4).
Identifiers: ClinVar variation 652144 (VCV000652144.4), dbSNP rs1570688587, ClinGen allele CA915941244.